The following is an entry in ClinVar:

NM_002691.4(POLD1):c.2632A>C (p.Ile878Leu)

Gene: POLD1 (DNA polymerase delta 1, catalytic subunit; plus strand). Cytogenetic location: 19q13.33.
Variant type: single nucleotide variant.
Coding change: c.2632A>C on transcript NM_002691.4 (MANE Select); coding-DNA position 2632, A replaced by C.
Protein change: p.Ile878Leu; replaces isoleucine 878 with leucine.
Molecular consequence: missense variant. On other transcripts: non-coding transcript variant (1).
Genome position (GRCh38, 1-based): chr19:50,415,505, A>C. VCF-style: chr19-50415505-A-C. GRCh37 (hg19) VCF-style: chr19-50918762-A-C.
Other names: c.2632A>C, p.Ile878Leu (NM_001256849.1); c.2710A>C, p.Ile904Leu (NM_001308632.1); short protein forms I878L, I904L.
Identifiers: ClinVar variation 1303816 (VCV001303816.3), dbSNP rs2122475469, ClinGen allele CA406985492.

ClinVar aggregate classification (germline): Uncertain significance. Review status: criteria provided, multiple submitters, no conflicts (2 of 4 stars). 2 submissions from 2 submitters: Uncertain significance (2). Last evaluated 2025-08-05.

Conditions:
POLD1-related polyposis and colorectal cancer syndrome (CRCS10). Also called: Colorectal cancer, susceptibility to, 10; Colorectal cancer 10; COLORECTAL CANCER, SUSCEPTIBILITY TO, ON CHROMOSOME 19q. Identifiers: Orphanet 220460, MedGen C2675481, MONDO:0012953, OMIM 612591.

Submissions (2):

Labcorp Genetics (formerly Invitae), Labcorp
Classification: Uncertain significance for POLD1-related polyposis and colorectal cancer syndrome. Last evaluated: 2025-08-05. Review status: criteria provided, single submitter. Criteria: Invitae Variant Classification Sherloc (09022015). Collection method: clinical testing. Allele origin: germline.
Comment: This sequence change replaces isoleucine, which is neutral and non-polar, with leucine, which is neutral and non-polar, at codon 878 of the POLD1 protein (p.Ile878Leu). This variant is not present in population databases (gnomAD no frequency). This variant has not been reported in the literature in individuals affected with POLD1-related conditions. ClinVar contains an entry for this variant (Variation ID: 1303816). Invitae Evidence Modeling of protein sequence and biophysical properties (such as structural, functional, and spatial information, amino acid conservation, physicochemical variation, residue mobility, and thermodynamic stability) indicates that this missense variant is not expected to disrupt POLD1 protein function with a negative predictive value of 80%. In summary, the available evidence is currently insufficient to determine the role of this variant in disease. Therefore, it has been classified as a Variant of Uncertain Significance.

GeneDx
Classification: Uncertain significance. Last evaluated: 2019-09-12. Review status: criteria provided, single submitter. Criteria: GeneDx Variant Classification Process June 2021. Collection method: clinical testing. Allele origin: germline. Affected: yes.
Comment: Not observed in large population cohorts (Lek et al., 2016); In silico analysis, which includes protein predictors and evolutionary conservation, supports that this variant does not alter protein structure/function; Has not been previously published as pathogenic or benign to our knowledge